The following is an entry in ClinVar:

NM_020320.5(RARS2):c.-2A>G

Gene: RARS2 (arginyl-tRNA synthetase 2, mitochondrial; minus strand). Cytogenetic location: 6q15.
Variant type: single nucleotide variant.
Coding change: c.-2A>G on transcript NM_020320.5 (MANE Select); 2 bases upstream of the start codon, A replaced by G.
Molecular consequence: 5 prime UTR variant. On other transcripts: non-coding transcript variant (23).
Genome position (GRCh38, 1-based): chr6:87,589,959, T>C on the plus strand (A>G on the coding strand, the complement: RARS2 is on the minus strand). VCF-style: chr6-87589959-T-C. GRCh37 (hg19) VCF-style: chr6-88299677-T-C.
Other names: -2A-G; c.-692A>G (NM_001318785.2); c.-2A>G (NM_001350505.2, NM_020320.4); c.-748A>G (NM_001350506.2, NM_001350510.2); c.-871A>G (NM_001350507.2); c.-910A>G (NM_001350508.2); c.-618A>G (NM_001350509.2); c.-867A>G (NM_001350511.2).
Identifiers: ClinVar variation 802251 (VCV000802251.13), dbSNP rs201150141, ClinGen allele CA3916866.

ClinVar aggregate classification (germline): Conflicting classifications of pathogenicity. Review status: criteria provided, conflicting classifications (1 of 4 stars). 8 submissions from 8 submitters: Pathogenic (1); Likely pathogenic (4); Uncertain significance (2). 1 of the submissions does not count toward it. Last evaluated 2026-08-20.

Conditions:
Pontocerebellar hypoplasia type 6 (PCH6). Identifiers: Orphanet 166073, MedGen C1969084, MONDO:0012683, OMIM 611523.

gnomAD v4.1: 12 of 1,614,090 alleles (0.00074%); highest among the groups gnomAD compares: East Asian, 0.0022%; no homozygotes.

Submissions (8):

GeneDx
Classification: Likely pathogenic. Last evaluated: 2026-08-20. Review status: criteria provided, single submitter. Criteria: GeneDx Variant Classification Process June 2021. Collection method: clinical testing. Allele origin: germline.
Comment: Not observed at significant frequency in large population cohorts (gnomAD); Published functional studies suggest a damaging effect on promoter activity (PMID: 25809939); Located in a regulatory region; Nucleotide is not conserved across species and the substitution has no predicted effect on splicing; This variant is associated with the following publications: (PMID: 28534666, 34717047, 25809939, 37344844, 33587123)

Myriad Genetics, Inc.
Classification: Likely pathogenic for Pontocerebellar hypoplasia type 6. Last evaluated: 2025-09-09. Review status: criteria provided, single submitter. Criteria: Myriad Autosomal Dominant, Autosomal Recessive and X-Linked Classification Criteria (2023). Collection method: clinical testing. Allele origin: unknown.
Comment: NM_020320.3(RARS2):c.-2A>G is a 5' non-coding variant classified as likely pathogenic in the context of pontocerebellar hypoplasia, RARS2-related. c.-2A>G has been observed in cases with relevant disease (PMID: 25809939, 37344844, Maia_2017_(abstract)). Relevant functional assessments of this variant are available in the literature (PMID: 25809939). c.-2A>G has been observed in referenced population frequency databases. In summary, NM_020320.3(RARS2):c.-2A>G is a 5' non-coding variant that has been observed more frequently in cases with the relevant disease than in healthy populations. Please note: this variant was assessed in the context of healthy population screening.

Natera, Inc.
Classification: Likely pathogenic for Pontocerebellar hypoplasia, type 6. Last evaluated: 2025-03-19. Review status: criteria provided, single submitter. Criteria: Natera Variant Classification Schema (03/2026). Collection method: clinical testing. Allele origin: germline.
Comment: The c.-2A>G variant in RARS2 is a canonical splice acceptor site variant predicted to affect pre-mRNA splicing, which may result in an abnormal transcript and altered protein product. This variant is rare in the general population with a frequency below the threshold expected for the associated phenotype(s). This variant has been observed in one or more individuals affected with the associated recessive disease, as either homozygous or compound heterozygous with a second variant (PMID: 25809939, 37344844). This variant has been observed to segregate in affected family members (PMID: 25809939). Functional studies show that this variant may disrupt protein function (PMID: 37344844, 25809939). Given the available evidence, this variant is classified as Likely Pathogenic.

Baylor Genetics
Classification: Likely pathogenic for Pontocerebellar hypoplasia type 6. Last evaluated: 2023-10-03. Review status: criteria provided, single submitter. Criteria: ACMG Guidelines, 2015. Collection method: clinical testing. Allele origin: unknown.

Athena Diagnostics
Classification: Uncertain significance. Last evaluated: 2019-10-03. Review status: criteria provided, single submitter. Criteria: Athena Diagnostics Criteria. Collection method: clinical testing. Allele origin: unknown.
Comment: This observation is not an independent occurrence and has been identified in the same individual by RCIGM, the other laboratory participating in the GEMINI study.

Mendelics
Classification: Pathogenic for Pontocerebellar hypoplasia type 6. Last evaluated: 2019-05-28. Review status: criteria provided, single submitter. Criteria: Mendelics Assertion Criteria 2017. Collection method: clinical testing. Allele origin: unknown.

Genetic Services Laboratory, University of Chicago
Classification: Uncertain significance. Last evaluated: 2013-08-05. Review status: criteria provided, single submitter. Criteria: ACMG Guidelines, 2007. Collection method: clinical testing. Allele origin: germline. Inheritance: Autosomal recessive inheritance.

OMIM
Classification: Pathogenic for PONTOCEREBELLAR HYPOPLASIA, TYPE 6. Last evaluated: 2015-07-01. Review status: no assertion criteria provided. Collection method: literature only. Allele origin: germline. Not counted in ClinVar's aggregate classification.

Literature cited by the submitters: PubMed 25809939 (cited by 3 submitters); PubMed 37344844 (cited by Natera, Inc.).